The following is an entry in ClinVar:

ClinVar aggregate classification (germline): Pathogenic. Review status: criteria provided, multiple submitters, no conflicts (2 of 4 stars). 7 submissions from 7 submitters: Pathogenic (6). 1 of the submissions does not count toward it. Last evaluated 2025-05-28.

Conditions:
Breast-ovarian cancer, familial, susceptibility to, 1 (BROVCA1). Also called: BRCA1 Hereditary Breast and Ovarian Cancer; OVARIAN CANCER, SUSCEPTIBILITY TO. Identifiers: Orphanet 145, MedGen C2676676, MONDO:0011450, OMIM 604370. Disease mechanism: loss of function.
Fanconi anemia, complementation group S (FANCS). Identifiers: MedGen C4554406, MONDO:0054748, OMIM 617883.
Pancreatic cancer, susceptibility to, 4. Identifiers: Orphanet 1333, MedGen C3280442, MONDO:0013685, OMIM 614320.
Hereditary cancer-predisposing syndrome. Also called: Hereditary neoplastic syndrome; Tumor predisposition; Neoplastic Syndromes, Hereditary; Hereditary Cancer Syndrome. Identifiers: Orphanet 140162, MedGen C0027672, MeSH D009386, MONDO:0015356.
Hereditary breast ovarian cancer syndrome. Also called: Breast and ovarian cancer; Hereditary breast and/or ovarian cancer syndrome; BRCA1- and BRCA2-Associated Hereditary Breast and Ovarian Cancer; Hereditary breast and ovarian cancer; Hereditary breast and ovarian cancer syndrome; Hereditary breast and ovarian cancer syndrome (HBOC). Identifiers: Orphanet 145, MedGen C0677776, MeSH D061325, MONDO:0003582. Disease mechanism: loss of function.
Familial cancer of breast. Also called: hereditary breast carcinoma; Hereditary breast cancer; BREAST CANCER, FAMILIAL. Identifiers: Orphanet 227535, MedGen C0346153, MONDO:0016419, OMIM 114480. Disease mechanism: loss of function.

Submissions (7):

Labcorp Genetics (formerly Invitae), Labcorp
Classification: Pathogenic for Hereditary breast ovarian cancer syndrome. Last evaluated: 2025-05-28. Review status: criteria provided, single submitter. Criteria: Invitae Variant Classification Sherloc (09022015). Collection method: clinical testing. Allele origin: germline.
Comment: This sequence change affects a donor splice site in intron 11 of the BRCA1 gene. It is expected to disrupt RNA splicing. Variants that disrupt the donor or acceptor splice site typically lead to a loss of protein function (PMID: 16199547), and loss-of-function variants in BRCA1 are known to be pathogenic (PMID: 20104584). This variant is not present in population databases (gnomAD no frequency). Disruption of this splice site has been observed in individual(s) with breast and/or ovarian cancer (PMID: 28176296, 30078507, 30702160, 30972954). ClinVar contains an entry for this variant (Variation ID: 186395). Studies have shown that disruption of this splice site alters mRNA splicing and is expected to lead to the loss of protein expression (PMID: 24667779). For these reasons, this variant has been classified as Pathogenic.

Baylor Genetics
Classification: Pathogenic for Breast-ovarian cancer, familial, susceptibility to, 1. Last evaluated: 2023-07-27. Review status: criteria provided, single submitter. Criteria: ACMG Guidelines, 2015. Collection method: clinical testing. Allele origin: unknown.

Mendelics
Classification: Pathogenic for Familial cancer of breast. Last evaluated: 2022-05-04. Review status: criteria provided, single submitter. Criteria: Mendelics Assertion Criteria 2019. Collection method: clinical testing. Allele origin: germline.

Ambry Genetics
Classification: Pathogenic for Hereditary cancer-predisposing syndrome. Last evaluated: 2021-10-14. Review status: criteria provided, single submitter. Criteria: Ambry Variant Classification Scheme 2023. Collection method: clinical testing. Allele origin: germline.
Comment: The c.4185+1G>A intronic pathogenic mutation results from a G to A substitution one nucleotide after coding exon 10 of the BRCA1 gene. Alterations that disrupt the canonical splice site are expected to cause aberrant splicing, resulting in an abnormal protein or a transcript that is subject to nonsense-mediated mRNA decay. RNA studies have shown that this alteration results in coding exon 10 skipping (Ambry internal data; Steffensen AY et al. Eur J Hum Genet 2014 Dec;22(12):1362-8). Another alteration impacting the same donor site (c.4185G>A) has been shown to have a similar impact on splicing (Wappenschmidt B et al. PLoS One. 2012;7(12):e50800). This nucleotide position is highly conserved in available vertebrate species. In silico splice site analysis predicts that this alteration will weaken the native splice donor site. This variant is considered to be rare based on population cohorts in the Genome Aggregation Database (gnomAD). Based on the supporting evidence, this alteration is interpreted as a disease-causing mutation.

Clinical Genetics DNA and cytogenetics Diagnostics Lab, Erasmus MC, Erasmus Medical Center
Classification: Pathogenic for Breast-ovarian cancer, familial, susceptibility to, 1. Last evaluated: 2017-05-31. Review status: criteria provided, single submitter. Criteria: ACGS Guidelines, 2013. Collection method: clinical testing. Allele origin: germline. Affected: yes. Study: VKGL Data-share Consensus.

Juno Genomics, Hangzhou Juno Genomics, Inc
Classification: Pathogenic for Breast-ovarian cancer, familial, susceptibility to, 1; Pancreatic cancer, susceptibility to, 4; Fanconi anemia, complementation group S. Review status: criteria provided, single submitter. Criteria: ACMG Guidelines, 2015. Collection method: clinical testing. Allele origin: germline.
Comment: Absent from controls (or at extremely low frequency if recessive) in Genome Aggregation Database.;Null variant in a gene where loss of function (LOF) is a known mechanism of disease.;Same amino acid change as a previously established pathogenic variant regardless of nucleotide change.

Clinical Genetics Laboratory, Department of Pathology, Netherlands Cancer Institute
Classification: Pathogenic. Review status: no assertion criteria provided. Collection method: clinical testing. Allele origin: germline. Affected: yes. Study: VKGL Data-share Consensus. Not counted in ClinVar's aggregate classification.

Literature cited by the submitters: PubMed 16199547 (cited by Labcorp Genetics (formerly Invitae), Labcorp); PubMed 20104584 (cited by Labcorp Genetics (formerly Invitae), Labcorp); PubMed 28176296 (cited by Labcorp Genetics (formerly Invitae), Labcorp); PubMed 30078507 (cited by Labcorp Genetics (formerly Invitae), Labcorp); PubMed 30702160 (cited by Labcorp Genetics (formerly Invitae), Labcorp); PubMed 30972954 (cited by Labcorp Genetics (formerly Invitae), Labcorp); PubMed 24667779 (cited by Labcorp Genetics (formerly Invitae), Labcorp).

NM_007294.4(BRCA1):c.4185+1G>A

Gene: BRCA1 (BRCA1 DNA repair associated; minus strand). Cytogenetic location: 17q21.31.
Variant type: single nucleotide variant.
Coding change: c.4185+1G>A on transcript NM_007294.4 (MANE Select); the canonical splice donor site of the intron after coding-DNA position 4185, G replaced by A.
Molecular consequence: splice donor variant.
Genome position (GRCh38, 1-based): chr17:43,090,943, C>T on the plus strand (G>A on the coding strand, the complement: BRCA1 is on the minus strand). VCF-style: chr17-43090943-C-T. GRCh37 (hg19) VCF-style: chr17-41242960-C-T.
Other names: c.4059+1G>A (NM_001407685.1, NM_001407688.1, NM_001407940.1 and 11 more transcripts); c.873+1G>A (NM_001408401.1, NM_001408396.1, NM_001407985.1 and 13 more transcripts); c.4182+1G>A (NM_001407644.1, NM_001407627.1, NM_001407861.1 and 22 more transcripts); c.636+1G>A (NM_001408494.1); c.753+1G>A (NM_001408444.1, NM_001408438.1, NM_001408430.1 and 12 more transcripts); c.4062+1G>A (NM_001407682.1, NM_001407676.1, NM_001407863.1 and 19 more transcripts); c.759+1G>A (NM_001408423.1, NM_001408420.1, NM_001408419.1 and 2 more transcripts); c.876+1G>A (NM_001408404.1, NM_001408472.1, NM_001407990.1 and 17 more transcripts); and 41 more.
Identifiers: ClinVar variation 186395 (VCV000186395.21), dbSNP rs80358076, ClinGen allele CA002683.